The following is an entry in ClinVar:

ClinVar aggregate classification (germline): Conflicting classifications of pathogenicity. Review status: criteria provided, conflicting classifications (1 of 4 stars). 10 submissions from 6 submitters: Uncertain significance (5); Likely benign (5). Last evaluated 2025-12-23.

Conditions:
Autosomal recessive limb-girdle muscular dystrophy type 2J (LGMDR10). Also called: Limb-girdle muscular dystrophy, type 2J; MUSCULAR DYSTROPHY, LIMB-GIRDLE, AUTOSOMAL RECESSIVE 10. Identifiers: Orphanet 140922, MedGen C1837342, MONDO:0012127, OMIM 608807.
Tibial muscular dystrophy (TMD). Also called: UDD MYOPATHY; Udd Distal Myopathy – Tibial Muscular Dystrophy; Tibial muscular dystrophy, tardive. Identifiers: Orphanet 609, MedGen C1838244, MONDO:0010870, OMIM 600334.
Early-onset myopathy with fatal cardiomyopathy (CMYO5). Also called: CONGENITAL MYOPATHY 5 WITH CARDIOMYOPATHY; Salih Myopathy. Identifiers: Orphanet 289377, MedGen C2673677, MONDO:0012714, OMIM 611705. Disease mechanism: loss of function.
Dilated cardiomyopathy 1G (CMD1G). Identifiers: Orphanet 154, MedGen C1858763, MONDO:0011400, OMIM 604145.
Myopathy, myofibrillar, 9, with early respiratory failure (MFM9). Also called: Hereditary myopathy with early respiratory failure; Myopathy, distal, with early respiratory failure, autosomal dominant; MYOPATHY, PROXIMAL, WITH EARLY RESPIRATORY MUSCLE INVOLVEMENT; EDSTROM MYOPATHY. Identifiers: Orphanet 178464, Orphanet 34521, MedGen C1863599, MONDO:0011362, OMIM 603689.
Cardiovascular phenotype. Identifiers: MedGen CN230736.

Allele frequency attached by ClinVar (database versions not stated): ExAC 0.00001; gnomAD 0.00001; gnomAD exomes 0.00001; 1000 Genomes Project 30x 0.00016; 1000 Genomes Project 0.00020.
gnomAD v4.1: 24 of 1,613,934 alleles (0.0015%); highest among the groups gnomAD compares: Non-Finnish European, 0.0017%; no homozygotes.

Submissions (10):

Labcorp Genetics (formerly Invitae), Labcorp
Classification: Likely benign for Dilated cardiomyopathy 1G; Autosomal recessive limb-girdle muscular dystrophy type 2J. Last evaluated: 2025-12-23. Review status: criteria provided, single submitter. Criteria: Invitae Variant Classification Sherloc (09022015). Collection method: clinical testing. Allele origin: germline.

Mayo Clinic Laboratories, Mayo Clinic
Classification: Likely benign. Last evaluated: 2025-10-03. Review status: criteria provided, single submitter. Criteria: ACMG Guidelines, 2015. Collection method: clinical testing. Allele origin: germline. Observed: 1 variant allele.
Comment: BP4, BP7

Ambry Genetics
Classification: Likely benign for Cardiovascular phenotype. Last evaluated: 2024-10-07. Review status: criteria provided, single submitter. Criteria: Ambry Variant Classification Scheme 2023. Collection method: clinical testing. Allele origin: germline.

Blueprint Genetics
Classification: Likely benign. Last evaluated: 2021-09-06. Review status: criteria provided, single submitter. Criteria: ACMG Guidelines, 2015. Collection method: clinical testing. Allele origin: germline.

GeneDx
Classification: Likely benign. Last evaluated: 2019-03-15. Review status: criteria provided, single submitter. Criteria: GeneDx Variant Classification Process June 2021. Collection method: clinical testing. Allele origin: germline. Affected: yes.

Illumina Laboratory Services, Illumina
Classification: Uncertain significance for Myopathy, myofibrillar, 9, with early respiratory failure. Last evaluated: 2018-01-13. Review status: criteria provided, single submitter. Criteria: ICSL Variant Classification Criteria 13 December 2019. Collection method: clinical testing. Allele origin: germline.

Illumina Laboratory Services, Illumina
Classification: Uncertain significance for Tibial muscular dystrophy. Last evaluated: 2018-01-13. Review status: criteria provided, single submitter. Criteria: ICSL Variant Classification Criteria 13 December 2019. Collection method: clinical testing. Allele origin: germline.

Illumina Laboratory Services, Illumina
Classification: Uncertain significance for Dilated cardiomyopathy 1G. Last evaluated: 2018-01-13. Review status: criteria provided, single submitter. Criteria: ICSL Variant Classification Criteria 13 December 2019. Collection method: clinical testing. Allele origin: germline.

Illumina Laboratory Services, Illumina
Classification: Uncertain significance for Early-onset myopathy with fatal cardiomyopathy. Last evaluated: 2018-01-13. Review status: criteria provided, single submitter. Criteria: ICSL Variant Classification Criteria 13 December 2019. Collection method: clinical testing. Allele origin: germline.

Illumina Laboratory Services, Illumina
Classification: Uncertain significance for Autosomal recessive limb-girdle muscular dystrophy type 2J. Last evaluated: 2018-01-13. Review status: criteria provided, single submitter. Criteria: ICSL Variant Classification Criteria 13 December 2019. Collection method: clinical testing. Allele origin: germline.

NM_001267550.2(TTN):c.1446C>T (p.Ala482=)

Gene: TTN (titin; minus strand). Cytogenetic location: 2q31.2.
Variant type: single nucleotide variant.
Coding change: c.1446C>T on transcript NM_001267550.2 (MANE Select); coding-DNA position 1446, C replaced by T.
Protein change: p.Ala482=; no amino-acid change (alanine 482 retained).
Molecular consequence: synonymous variant.
Genome position (GRCh38, 1-based): chr2:178,793,494, G>A on the plus strand (C>T on the coding strand, the complement: TTN is on the minus strand). VCF-style: chr2-178793494-G-A. GRCh37 (hg19) VCF-style: chr2-179658221-G-A.
Other names: p.Ala482=; c.1446C>T, p.Ala482= (NM_001256850.1, NM_003319.4, NM_133379.5 and 3 more transcripts).
Identifiers: ClinVar variation 894145 (VCV000894145.22), dbSNP rs183258737, ClinGen allele CA2006041.